The following is an entry in ClinVar:

ClinVar aggregate classification (germline): Uncertain significance. Review status: criteria provided, multiple submitters, no conflicts (2 of 4 stars). 5 submissions from 5 submitters: Uncertain significance (4). 1 of the submissions does not count toward it. Last evaluated 2025-10-21.

Conditions:
Inborn genetic diseases. Identifiers: MedGen C0950123, MeSH D030342.
Optic atrophy. Identifiers: MedGen C0029124, MONDO:0003608, HP:0000648.
PEX26-related disorder. Also called: PEX26-related condition.
Peroxisome biogenesis disorder 7B (PBD7B). Identifiers: Orphanet 44, MedGen C3553951, MONDO:0013939, OMIM 614873.
Peroxisome biogenesis disorder 7A (Zellweger). Also called: Peroxisome biogenesis disorder 7A. Identifiers: Orphanet 912, MedGen C3888385, MONDO:0013938, OMIM 614872.

Allele frequency attached by ClinVar (database versions not stated): gnomAD exomes 0.00002 and 0.00003; ExAC 0.00003; gnomAD 0.00004 and 0.00005; TOPMed 0.00006; ESP Exome Variant Server 0.00008; 1000 Genomes Project 30x 0.00047; 1000 Genomes Project 0.00060.
gnomAD v4.1: 38 of 1,614,120 alleles (0.0024%); highest among the groups gnomAD compares: African/African-American, 0.033%; no homozygotes.

Submissions (5):

Ambry Genetics
Classification: Uncertain significance for Inborn genetic diseases. Last evaluated: 2025-10-21. Review status: criteria provided, single submitter. Criteria: Ambry Variant Classification Scheme 2023. Collection method: clinical testing. Allele origin: germline.

PreventionGenetics, part of Exact Sciences
Classification: Uncertain significance for PEX26-related condition. Last evaluated: 2025-07-14. Review status: criteria provided, single submitter. Criteria: ACMG Guidelines, 2015. Collection method: clinical testing. Allele origin: germline.
Comment: The PEX26 c.548G>A variant is predicted to result in the amino acid substitution p.Gly183Asp. To our knowledge, this variant has not been reported in the literature. This variant is reported in 0.028% of alleles in individuals of African descent in gnomAD. At this time, the clinical significance of this variant is uncertain due to the absence of conclusive functional and genetic evidence.

Labcorp Genetics (formerly Invitae), Labcorp
Classification: Uncertain significance for Peroxisome biogenesis disorder 7A (Zellweger); Peroxisome biogenesis disorder 7B. Last evaluated: 2022-08-16. Review status: criteria provided, single submitter. Criteria: Invitae Variant Classification Sherloc (09022015). Collection method: clinical testing. Allele origin: germline.
Comment: This sequence change replaces glycine, which is neutral and non-polar, with aspartic acid, which is acidic and polar, at codon 183 of the PEX26 protein (p.Gly183Asp). This variant is present in population databases (rs146904462, gnomAD 0.03%). This variant has not been reported in the literature in individuals affected with PEX26-related conditions. ClinVar contains an entry for this variant (Variation ID: 964808). Algorithms developed to predict the effect of missense changes on protein structure and function output the following: SIFT: "Tolerated"; PolyPhen-2: "Benign"; Align-GVGD: "Class C0". The aspartic acid amino acid residue is found in multiple mammalian species, which suggests that this missense change does not adversely affect protein function. In summary, the available evidence is currently insufficient to determine the role of this variant in disease. Therefore, it has been classified as a Variant of Uncertain Significance.

Revvity Omics, Revvity
Classification: Uncertain significance. Last evaluated: 2021-10-25. Review status: criteria provided, single submitter. Criteria: ACMG Guidelines, 2015. Collection method: clinical testing. Allele origin: germline.

Institute of Human Genetics, Univ. Regensburg, Univ. Regensburg
Classification: Uncertain significance for Optic atrophy. Last evaluated: 2023-01-01. Review status: no assertion criteria provided. Criteria: ACMG Guidelines, 2015. Collection method: clinical testing. Allele origin: germline. Affected: yes. Not counted in ClinVar's aggregate classification.

NM_001127649.3(PEX26):c.548G>A (p.Gly183Asp)

Gene: PEX26 (peroxisomal biogenesis factor 26; plus strand). Cytogenetic location: 22q11.21.
Variant type: single nucleotide variant.
Coding change: c.548G>A on transcript NM_001127649.3 (MANE Select); coding-DNA position 548, G replaced by A.
Protein change: p.Gly183Asp; replaces glycine 183 with aspartic acid.
Molecular consequence: missense variant.
Genome position (GRCh38, 1-based): chr22:18,083,613, G>A. VCF-style: chr22-18083613-G-A. GRCh37 (hg19) VCF-style: chr22-18566379-G-A.
Other names: c.548G>A, p.Gly183Asp (NM_001199319.2, NM_017929.6); short protein forms G183D.
Identifiers: ClinVar variation 964808 (VCV000964808.10), dbSNP rs146904462, ClinGen allele CA10093349.